The following is an entry in ClinVar:

ClinVar aggregate classification (germline): Conflicting classifications of pathogenicity. Review status: criteria provided, conflicting classifications (1 of 4 stars). 2 submissions from 2 submitters: Uncertain significance (1); Likely benign (1). Last evaluated 2023-03-23.

Conditions:
Hereditary breast ovarian cancer syndrome. Also called: Hereditary breast and ovarian cancer syndrome; Breast and ovarian cancer; BRCA1- and BRCA2-Associated Hereditary Breast and Ovarian Cancer; Hereditary breast and ovarian cancer; Hereditary breast and/or ovarian cancer syndrome; Hereditary breast and ovarian cancer syndrome (HBOC). Identifiers: Orphanet 145, MedGen C0677776, MeSH D061325, MONDO:0003582. Disease mechanism: loss of function.
Hereditary cancer-predisposing syndrome. Also called: Hereditary neoplastic syndrome; Neoplastic Syndromes, Hereditary; Tumor predisposition; Hereditary Cancer Syndrome. Identifiers: Orphanet 140162, MedGen C0027672, MeSH D009386, MONDO:0015356.

Submissions (2):

University of Washington Department of Laboratory Medicine, University of Washington
Classification: Likely benign for Hereditary cancer-predisposing syndrome. Last evaluated: 2023-03-23. Review status: criteria provided, single submitter. Criteria: Dines et al. (Genet Med. 2020). Collection method: curation. Allele origin: germline.
Comment: Missense variant in a coldspot region where missense variants are very unlikely to be pathogenic (PMID:31911673).

BRCA2 exon 11 coldspot. Reclassification based on statistical prior probability.

Labcorp Genetics (formerly Invitae), Labcorp
Classification: Uncertain significance for Hereditary breast ovarian cancer syndrome. Last evaluated: 2019-05-15. Review status: criteria provided, single submitter. Criteria: Invitae Variant Classification Sherloc (09022015). Collection method: clinical testing. Allele origin: germline.
Comment: Algorithms developed to predict the effect of missense changes on protein structure and function output the following: SIFT: "Tolerated"; PolyPhen-2: "Benign"; Align-GVGD: "Class C0". The glutamic acid amino acid residue is found in multiple mammalian species, suggesting that this missense change does not adversely affect protein function. These predictions have not been confirmed by published functional studies and their clinical significance is uncertain. In summary, the available evidence is currently insufficient to determine the role of this variant in disease. Therefore, it has been classified as a Variant of Uncertain Significance. Algorithms developed to predict the effect of sequence changes on RNA splicing suggest that this variant may create or strengthen a splice site, but this prediction has not been confirmed by published transcriptional studies. This variant has not been reported in the literature in individuals with BRCA2-related conditions. This variant is not present in population databases (ExAC no frequency). This sequence change replaces lysine with glutamic acid at codon 872 of the BRCA2 protein (p.Lys872Glu). The lysine residue is weakly conserved and there is a small physicochemical difference between lysine and glutamic acid.

NM_000059.4(BRCA2):c.2614A>G (p.Lys872Glu)

Gene: BRCA2 (BRCA2 DNA repair associated; plus strand). Cytogenetic location: 13q13.1.
Variant type: single nucleotide variant.
Coding change: c.2614A>G on transcript NM_000059.4 (MANE Select); coding-DNA position 2614, A replaced by G.
Protein change: p.Lys872Glu; replaces lysine 872 with glutamic acid.
Molecular consequence: missense variant.
Genome position (GRCh38, 1-based): chr13:32,336,969, A>G. VCF-style: chr13-32336969-A-G. GRCh37 (hg19) VCF-style: chr13-32911106-A-G.
Other names: short protein forms K872E.
Identifiers: ClinVar variation 834828 (VCV000834828.11), dbSNP rs2072461201, ClinGen allele CA387773169.